The following is an entry in ClinVar:

NM_001100.4(ACTA1):c.49G>C (p.Gly17Arg)

Gene: ACTA1 (actin alpha 1, skeletal muscle; minus strand). Cytogenetic location: 1q42.13.
Variant type: single nucleotide variant.
Coding change: c.49G>C on transcript NM_001100.4 (MANE Select); coding-DNA position 49, G replaced by C.
Protein change: p.Gly17Arg; replaces glycine 17 with arginine.
Molecular consequence: missense variant.
Genome position (GRCh38, 1-based): chr1:229,433,067, C>G on the plus strand (G>C on the coding strand, the complement: ACTA1 is on the minus strand). VCF-style: chr1-229433067-C-G. GRCh37 (hg19) VCF-style: chr1-229568814-C-G.
Other names: G15R; short protein forms G17R.
Identifiers: ClinVar variation 18281 (VCV000018281.7), dbSNP rs121909521, ClinGen allele CA128029.

ClinVar aggregate classification (germline): Pathogenic/Likely pathogenic. Review status: criteria provided, multiple submitters, no conflicts (2 of 4 stars). 4 submissions from 4 submitters: Pathogenic (2); Likely pathogenic (1). 1 of the submissions does not count toward it. Last evaluated 2024-03-01.

Conditions:
Congenital myopathy 2b, severe infantile, autosomal recessive (CMYO2B). Identifiers: MedGen C5830300, MONDO:0859517, OMIM 620265.
Congenital myopathy 2c, severe infantile, autosomal dominant (CMYO2C). Identifiers: MedGen C5830333, MONDO:0859523, OMIM 620278.
Actin accumulation myopathy (CMYO2A). Also called: Myopathy, actin, congenital, with excess of thin myofilaments; Myopathy, actin, congenital, with cores; Nemaline myopathy 3, with intranuclear rods; CONGENITAL MYOPATHY 2A, TYPICAL, AUTOSOMAL DOMINANT; Nemaline myopathy type 3. Identifiers: Orphanet 98904, MedGen C3711389, MONDO:0008070, OMIM 161800.
Progressive scapulohumeroperoneal distal myopathy. Also called: Myopathy, scapulohumeroperoneal. Identifiers: Orphanet 447977, MedGen C4225181, MONDO:0014800, OMIM 616852.

Submissions (4):

Fulgent Genetics
Classification: Pathogenic for Actin accumulation myopathy; Progressive scapulohumeroperoneal distal myopathy; Congenital myopathy 2b, severe infantile, autosomal recessive; Congenital myopathy 2c, severe infantile, autosomal dominant. Last evaluated: 2024-03-01. Review status: criteria provided, single submitter. Criteria: ACMG Guidelines, 2015. Collection method: clinical testing. Allele origin: germline.

Women's Health and Genetics/Laboratory Corporation of America, LabCorp
Classification: Likely pathogenic for Congenital myopathy 2c, severe infantile, autosomal dominant. Last evaluated: 2023-04-25. Review status: criteria provided, single submitter. Criteria: LabCorp Variant Classification Summary - May 2015. Collection method: clinical testing. Allele origin: germline.
Comment: Variant summary: ACTA1 c.49G>C (p.Gly17Arg) results in a non-conservative amino acid change in the encoded protein sequence. Five of five in-silico tools predict a damaging effect of the variant on protein function. The variant was absent in 251110 control chromosomes. c.49G>C has been reported as de novo in the literature in an infant affected with Congenital Myopathy (Nowak_1999). Several publications report experimental evidence evaluating an impact on protein function, suggesting a damaging effect, changes in binding and formation of aggregates (Bathe_2007, Costa_2004, Sevdali_2013). One clinical diagnostic laboratory has submitted clinical-significance assessments for this variant to ClinVar after 2014 without evidence for independent evaluation. One laboratory classified the variant as pathogenic. Based on the evidence outlined above, the variant was classified as likely pathogenic.

GeneDx
Classification: Pathogenic. Last evaluated: 2022-07-12. Review status: criteria provided, single submitter. Criteria: GeneDx Variant Classification Process June 2021. Collection method: clinical testing. Allele origin: germline. Affected: yes.
Comment: Published functional studies suggest a damaging effect with protein misfolding, mislocalization, inappropriate binding and formation of aggregates (Costa et al., 2004; Sevdali et al., 2013); Not observed at significant frequency in large population cohorts (gnomAD); In silico analysis supports that this missense variant has a deleterious effect on protein structure/function; Missense variants in this gene are often considered pathogenic (HGMD); Also known as G15R; This variant is associated with the following publications: (PMID: 10508519, 24077912, 15226407, 25470062, 23294764, 17227580)

OMIM
Classification: Pathogenic for CONGENITAL MYOPATHY 2C, SEVERE INFANTILE, AUTOSOMAL DOMINANT. Last evaluated: 1999-10-01. Review status: no assertion criteria provided. Collection method: literature only. Allele origin: germline. Not counted in ClinVar's aggregate classification.

Literature cited by the submitters: PubMed 10508519 (cited by Women's Health and Genetics/Laboratory Corporation of America, LabCorp and OMIM); PubMed 17227580 (cited by Women's Health and Genetics/Laboratory Corporation of America, LabCorp); PubMed 15226407 (cited by Women's Health and Genetics/Laboratory Corporation of America, LabCorp); PubMed 23294764 (cited by Women's Health and Genetics/Laboratory Corporation of America, LabCorp); PubMed 9185179 (cited by OMIM).